The following is an entry in ClinVar:

NM_015450.3(POT1):c.990A>C (p.Gln330His)

Gene: POT1 (protection of telomeres 1; minus strand). Cytogenetic location: 7q31.33.
Variant type: single nucleotide variant.
Coding change: c.990A>C on transcript NM_015450.3 (MANE Select); coding-DNA position 990, A replaced by C.
Protein change: p.Gln330His; replaces glutamine 330 with histidine.
Molecular consequence: missense variant. On other transcripts: non-coding transcript variant (3).
Genome position (GRCh38, 1-based): chr7:124,846,958, T>G on the plus strand (A>C on the coding strand, the complement: POT1 is on the minus strand). VCF-style: chr7-124846958-T-G. GRCh37 (hg19) VCF-style: chr7-124487012-T-G.
Other names: c.597A>C, p.Gln199His (NM_001042594.2); short protein forms Q199H, Q330H.
Identifiers: ClinVar variation 4673709 (VCV004673709.1).

ClinVar aggregate classification (germline): Uncertain significance (1 of 4 stars; one submission).

Conditions:
Hereditary cancer-predisposing syndrome. Also called: Neoplastic Syndromes, Hereditary; Tumor predisposition; Hereditary Cancer Syndrome; Hereditary neoplastic syndrome. Identifiers: Orphanet 140162, MedGen C0027672, MeSH D009386, MONDO:0015356.

Submission:

Ambry Genetics
Classification: Uncertain significance for Hereditary cancer-predisposing syndrome. Last evaluated: 2025-11-02. Review status: criteria provided, single submitter. Criteria: Ambry Variant Classification Scheme 2023. Collection method: clinical testing. Allele origin: germline.
Comment: The p.Q330H variant (also known as c.990A>C), located in coding exon 8 of the POT1 gene, results from an A to C substitution at nucleotide position 990. The glutamine at codon 330 is replaced by histidine, an amino acid with highly similar properties. This amino acid position is conserved. In addition, this alteration is predicted to be tolerated by in silico analysis. Based on the available evidence, the clinical significance of this variant remains unclear.